The following is an entry in ClinVar:

ClinVar aggregate classification (germline): Uncertain significance (1 of 4 stars; one submission).

Allele frequency attached by ClinVar (database versions not stated): gnomAD 0.00001; gnomAD exomes 0.00002 and 0.00003; ExAC 0.00005; 1000 Genomes Project 30x 0.00016; 1000 Genomes Project 0.00020.
gnomAD v4.1: 12 of 1,609,444 alleles (0.00075%); highest among the groups gnomAD compares: Admixed American, 0.02%; no homozygotes.

Submission:

Labcorp Genetics (formerly Invitae), Labcorp
Classification: Uncertain significance. Last evaluated: 2022-09-26. Review status: criteria provided, single submitter. Criteria: Invitae Variant Classification Sherloc (09022015). Collection method: clinical testing. Allele origin: germline.
Comment: This sequence change replaces glycine, which is neutral and non-polar, with alanine, which is neutral and non-polar, at codon 21 of the TSFM protein (p.Gly21Ala). This variant is present in population databases (rs199884342, gnomAD 0.02%). This variant has not been reported in the literature in individuals affected with TSFM-related conditions. ClinVar contains an entry for this variant (Variation ID: 1446021). Algorithms developed to predict the effect of missense changes on protein structure and function output the following: SIFT: "Tolerated"; PolyPhen-2: "Benign"; Align-GVGD: "Class C0". The alanine amino acid residue is found in multiple mammalian species, which suggests that this missense change does not adversely affect protein function. In summary, the available evidence is currently insufficient to determine the role of this variant in disease. Therefore, it has been classified as a Variant of Uncertain Significance.

NM_005726.6(TSFM):c.62G>C (p.Gly21Ala)

Gene: TSFM (Ts translation elongation factor, mitochondrial; plus strand). Cytogenetic location: 12q14.1.
Variant type: single nucleotide variant.
Coding change: c.62G>C on transcript NM_005726.6 (MANE Select); coding-DNA position 62, G replaced by C.
Protein change: p.Gly21Ala; replaces glycine 21 with alanine.
Molecular consequence: missense variant.
Genome position (GRCh38, 1-based): chr12:57,783,114, G>C. VCF-style: chr12-57783114-G-C. GRCh37 (hg19) VCF-style: chr12-58176897-G-C.
Other names: c.62G>C, p.Gly21Ala (NM_001172695.2, NM_001172696.2, NM_001172697.2); short protein forms G21A.
Identifiers: ClinVar variation 1446021 (VCV001446021.5), dbSNP rs199884342, ClinGen allele CA6659207.
Genomic context (GRCh38, chr12:57,783,114, plus strand): 5'-TTCACCCTCTGGAGTTTGCTGCTTCCTGCTCCTCATCCCTTTCTTATCTCATCTAGGCTG[G>C]GTCTCTTCTGCGTCAGTCGCCCCAGCCAAGGCACACATTTTATGCTGGGCCCCGTCTGTC-3'
Protein context (NP_005717.3, residues 11-31): LVARTGSYPA[Gly21Ala]SLLRQSPQPR